The following is an entry in ClinVar:

NM_024854.5(PYROXD1):c.1055A>G (p.Asp352Gly)

Gene: PYROXD1 (pyridine nucleotide-disulphide oxidoreductase domain 1; plus strand). Cytogenetic location: 12p12.1.
Variant type: single nucleotide variant.
Coding change: c.1055A>G on transcript NM_024854.5 (MANE Select); coding-DNA position 1055, A replaced by G.
Protein change: p.Asp352Gly; replaces aspartic acid 352 with glycine.
Molecular consequence: missense variant.
Genome position (GRCh38, 1-based): chr12:21,462,801, A>G. VCF-style: chr12-21462801-A-G. GRCh37 (hg19) VCF-style: chr12-21615735-A-G.
Other names: c.1055A>G (NM_024854.3); c.842A>G, p.Asp281Gly (NM_001350912.2); c.278A>G, p.Asp93Gly (NM_001350913.2); short protein forms D281G, D352G, D93G.
Identifiers: ClinVar variation 1521909 (VCV001521909.11), dbSNP rs151265631, ClinGen allele CA6478445.

ClinVar aggregate classification (germline): Uncertain significance. Review status: criteria provided, multiple submitters, no conflicts (2 of 4 stars). 4 submissions from 4 submitters: Uncertain significance (4). Last evaluated 2026-02-01.

Conditions:
Inborn genetic diseases. Identifiers: MedGen C0950123, MeSH D030342.

Allele frequency attached by ClinVar (database versions not stated): 1000 Genomes Project 30x 0.00016; 1000 Genomes Project 0.00020; gnomAD exomes 0.00028 and 0.00036; gnomAD 0.00029; TOPMed 0.00029; ESP Exome Variant Server 0.00031; ExAC 0.00037.
gnomAD v4.1: 451 of 1,614,032 alleles (0.028%); highest among the groups gnomAD compares: Non-Finnish European, 0.03%; no homozygotes.

Submissions (6):

CeGaT Center for Human Genetics Tuebingen
Classification: Uncertain significance. Last evaluated: 2026-02-01. Review status: criteria provided, single submitter. Criteria: CeGaT Center For Human Genetics Tuebingen Variant Classification Criteria Version 2. Collection method: clinical testing. Allele origin: germline. Affected: yes. Observed: 1 variant allele.
Comment: PYROXD1: PM2, BP4

Labcorp Genetics (formerly Invitae), Labcorp
Classification: Uncertain significance. Last evaluated: 2025-01-20. Review status: criteria provided, single submitter. Criteria: Invitae Variant Classification Sherloc (09022015). Collection method: clinical testing. Allele origin: germline.
Comment: This sequence change replaces aspartic acid, which is acidic and polar, with glycine, which is neutral and non-polar, at codon 352 of the PYROXD1 protein (p.Asp352Gly). This variant is present in population databases (rs151265631, gnomAD 0.2%). This variant has not been reported in the literature in individuals affected with PYROXD1-related conditions. ClinVar contains an entry for this variant (Variation ID: 1521909). Invitae Evidence Modeling of protein sequence and biophysical properties (such as structural, functional, and spatial information, amino acid conservation, physicochemical variation, residue mobility, and thermodynamic stability) indicates that this missense variant is not expected to disrupt PYROXD1 protein function with a negative predictive value of 80%. In summary, the available evidence is currently insufficient to determine the role of this variant in disease. Therefore, it has been classified as a Variant of Uncertain Significance.

GeneDx
Classification: Uncertain significance. Last evaluated: 2024-06-16. Review status: criteria provided, single submitter. Criteria: GeneDx Variant Classification Process June 2021. Collection method: clinical testing. Allele origin: germline. Affected: yes.
Comment: In silico analysis supports that this missense variant has a deleterious effect on protein structure/function; Has not been previously published as pathogenic or benign to our knowledge

Ambry Genetics
Classification: Uncertain significance for Inborn genetic diseases. Last evaluated: 2021-12-20. Review status: criteria provided, single submitter. Criteria: Ambry Variant Classification Scheme 2023. Collection method: clinical testing. Allele origin: germline.

Dr. Peter K. Rogan Lab, Western University
No classification provided (evidence only). Condition: Clear cell carcinoma of kidney. Review status: no classification provided. Collection method: in vitro. Allele origin: not applicable. Functional consequence: retained intron. Not counted in ClinVar's aggregate classification.

Dr. Peter K. Rogan Lab, Western University
No classification provided (evidence only). Condition: Hepatocellular carcinoma. Review status: no classification provided. Collection method: in vitro. Allele origin: not applicable. Functional consequence: retained intron. Not counted in ClinVar's aggregate classification.